The following is an entry in ClinVar:

NM_004304.5(ALK):c.1443C>G (p.Asn481Lys)

Gene: ALK (ALK receptor tyrosine kinase; minus strand). Cytogenetic location: 2p23.2.
Variant type: single nucleotide variant.
Coding change: c.1443C>G on transcript NM_004304.5 (MANE Select); coding-DNA position 1443, C replaced by G.
Protein change: p.Asn481Lys; replaces asparagine 481 with lysine.
Molecular consequence: missense variant.
Genome position (GRCh38, 1-based): chr2:29,320,854, G>C on the plus strand (C>G on the coding strand, the complement: ALK is on the minus strand). VCF-style: chr2-29320854-G-C. GRCh37 (hg19) VCF-style: chr2-29543720-G-C.
Other names: c.1443C>G (NM_004304.4); short protein forms N481K.
Identifiers: ClinVar variation 2161862 (VCV002161862.5), dbSNP rs200448968, ClinGen allele CA346472640.

ClinVar aggregate classification (germline): Uncertain significance. Review status: criteria provided, multiple submitters, no conflicts (2 of 4 stars). 2 submissions from 2 submitters: Uncertain significance (2). Last evaluated 2024-10-24.

Conditions:
Hereditary cancer-predisposing syndrome. Also called: Neoplastic Syndromes, Hereditary; Hereditary neoplastic syndrome; Hereditary Cancer Syndrome; Tumor predisposition. Identifiers: Orphanet 140162, MedGen C0027672, MeSH D009386, MONDO:0015356.
Neuroblastoma, susceptibility to, 3. Also called: ALK-Related Neuroblastic Tumor Susceptibility. Identifiers: Orphanet 635, MedGen C2751681, MONDO:0013083, OMIM 613014.

gnomAD v4.1: 1 of 1,614,186 alleles (0.000062%); highest among the groups gnomAD compares: Non-Finnish European, 0.000085%; no homozygotes.

Submissions (2):

Ambry Genetics
Classification: Uncertain significance for Hereditary cancer-predisposing syndrome. Last evaluated: 2024-10-24. Review status: criteria provided, single submitter. Criteria: Ambry Variant Classification Scheme 2023. Collection method: clinical testing. Allele origin: germline.
Comment: The p.N481K variant (also known as c.1443C>G), located in coding exon 7 of the ALK gene, results from a C to G substitution at nucleotide position 1443. The asparagine at codon 481 is replaced by lysine, an amino acid with similar properties. This amino acid position is conserved. In addition, this alteration is predicted to be tolerated by in silico analysis. Based on the available evidence, the clinical significance of this variant remains unclear.

Labcorp Genetics (formerly Invitae), Labcorp
Classification: Uncertain significance for Neuroblastoma, susceptibility to, 3. Last evaluated: 2024-04-29. Review status: criteria provided, single submitter. Criteria: Invitae Variant Classification Sherloc (09022015). Collection method: clinical testing. Allele origin: germline.
Comment: This sequence change replaces asparagine, which is neutral and polar, with lysine, which is basic and polar, at codon 481 of the ALK protein (p.Asn481Lys). This variant is not present in population databases (gnomAD no frequency). This variant has not been reported in the literature in individuals affected with ALK-related conditions. ClinVar contains an entry for this variant (Variation ID: 2161862). An algorithm developed to predict the effect of missense changes on protein structure and function (PolyPhen-2) suggests that this variant is likely to be tolerated. In summary, the available evidence is currently insufficient to determine the role of this variant in disease. Therefore, it has been classified as a Variant of Uncertain Significance.